The following is an entry in ClinVar:

NM_022897.5(RANBP17):c.13T>C (p.Phe5Leu)

Gene: RANBP17 (RAN binding protein 17; plus strand). Cytogenetic location: 5q35.1.
Variant type: single nucleotide variant.
Coding change: c.13T>C on transcript NM_022897.5 (MANE Select); coding-DNA position 13, T replaced by C.
Protein change: p.Phe5Leu; replaces phenylalanine 5 with leucine.
Molecular consequence: missense variant.
Genome position (GRCh38, 1-based): chr5:170,862,046, T>C. VCF-style: chr5-170862046-T-C. GRCh37 (hg19) VCF-style: chr5-170289050-T-C.
Other names: short protein forms F5L.
Identifiers: ClinVar variation 3056422 (VCV003056422.2), dbSNP rs139675546, ClinGen allele CA3556954.
Genomic context (GRCh38, chr5:170,862,046, plus strand): 5'-GGCGCTGGGTGCCGACCGGCCGGCTGGCCGGCGCCGCCTCCTGGGAAGATGGCGCTGCAC[T>C]TCCAGGTCAGTGTGCTCTGCGCCGCGGGCCCGCGCTCCGCCACGCTGGGAACCCGGCGGG-3'
Protein context (NP_075048.1, residues 1-15): MALH[Phe5Leu]QSLAELEVLC

ClinVar aggregate classification (germline): Benign (0 of 4 stars; one submission).

Conditions:
RANBP17-related disorder. Also called: RANBP17-related condition.

Allele frequency attached by ClinVar (database versions not stated): gnomAD exomes 0.00037; 1000 Genomes Project 30x 0.00375; 1000 Genomes Project 0.00379; gnomAD 0.00414; TOPMed 0.00433.
gnomAD v4.1: 1,135 of 1,463,894 alleles (0.078%); highest among the groups gnomAD compares: African/African-American, 1.5%; 7 homozygotes.

Submission:

PreventionGenetics, part of Exact Sciences
Classification: Benign for RANBP17-related condition. Last evaluated: 2019-05-24. Review status: no assertion criteria provided. Collection method: clinical testing. Allele origin: germline.
Comment: This variant is classified as benign based on ACMG/AMP sequence variant interpretation guidelines (Richards et al. 2015 PMID: 25741868, with internal and published modifications).